The following is an entry in ClinVar:

ClinVar aggregate classification (germline): Conflicting classifications of pathogenicity. Review status: criteria provided, conflicting classifications (1 of 4 stars). 4 submissions from 4 submitters: Uncertain significance (2); Likely benign (2). Last evaluated 2026-04-08.

Conditions:
INVS-related disorder. Also called: INVS-related condition.
Nephronophthisis. Also called: Juvenile Nephronophthisis. Identifiers: Orphanet 655, MedGen C0687120, MONDO:0019005, HP:0000090.
Infantile nephronophthisis (NPHP2). Also called: Nephronophthisis 2, infantile; Nephronophthisis 2. Identifiers: Orphanet 655, Orphanet 93591, MedGen C1865872, MONDO:0011190, OMIM 602088.

Allele frequency attached by ClinVar (database versions not stated): gnomAD exomes below 0.00001.
gnomAD v4.1: 4 of 1,614,192 alleles (0.00025%); highest among the groups gnomAD compares: Admixed American, 0.0033%; no homozygotes.

Submissions (4):

PreventionGenetics, part of Exact Sciences
Classification: Likely benign for INVS-related condition. Last evaluated: 2026-04-08. Review status: criteria provided, single submitter. Criteria: ACMG Guidelines, 2015. Collection method: clinical testing. Allele origin: germline.
Comment: This variant is classified as likely benign based on ACMG/AMP sequence variant interpretation guidelines (Richards et al. 2015 PMID: 25741868, with internal and published modifications).

Labcorp Genetics (formerly Invitae), Labcorp
Classification: Likely benign for Nephronophthisis. Last evaluated: 2025-08-10. Review status: criteria provided, single submitter. Criteria: Invitae Variant Classification Sherloc (09022015). Collection method: clinical testing. Allele origin: germline.

Fulgent Genetics
Classification: Uncertain significance for Infantile nephronophthisis. Last evaluated: 2021-07-23. Review status: criteria provided, single submitter. Criteria: ACMG Guidelines, 2015. Collection method: clinical testing. Allele origin: unknown.

Eurofins Ntd Llc (ga)
Classification: Uncertain significance. Last evaluated: 2017-03-30. Review status: criteria provided, single submitter. Criteria: EGL Classification Definitions 2015. Collection method: clinical testing. Allele origin: germline. Observed: 1 variant allele, 1 heterozygote.

NM_014425.5(INVS):c.3051A>G (p.Thr1017=)

Gene: INVS (inversin; plus strand). Cytogenetic location: 9q31.1.
Variant type: single nucleotide variant.
Coding change: c.3051A>G on transcript NM_014425.5 (MANE Select); coding-DNA position 3051, A replaced by G.
Protein change: p.Thr1017=; no amino-acid change (threonine 1017 retained).
Molecular consequence: synonymous variant. On other transcripts: non-coding transcript variant (1).
Genome position (GRCh38, 1-based): chr9:100,297,970, A>G. VCF-style: chr9-100297970-A-G. GRCh37 (hg19) VCF-style: chr9-103060252-A-G.
Other names: c.2763A>G, p.Thr921= (NM_001318381.2); c.2073A>G, p.Thr691= (NM_001318382.2); c.3051A>G (NM_014425.4).
Identifiers: ClinVar variation 501157 (VCV000501157.10), dbSNP rs1381275842, ClinGen allele CA466444621.